The following is an entry in ClinVar:

ClinVar aggregate classification (germline): Uncertain significance (1 of 4 stars; one submission).

Conditions:
Hereditary cancer-predisposing syndrome. Also called: Neoplastic Syndromes, Hereditary; Tumor predisposition; Hereditary Cancer Syndrome; Hereditary neoplastic syndrome. Identifiers: Orphanet 140162, MedGen C0027672, MeSH D009386, MONDO:0015356.
Cardiovascular phenotype. Identifiers: MedGen CN230736.

Submission:

Ambry Genetics
Classification: Uncertain significance for Cardiovascular phenotype; Hereditary cancer-predisposing syndrome. Last evaluated: 2021-01-28. Review status: criteria provided, single submitter. Criteria: Ambry Variant Classification Scheme 2023. Collection method: clinical testing. Allele origin: germline.
Comment: The p.H681Q variant (also known as c.2043C>A), located in coding exon 17 of the LZTR1 gene, results from a C to A substitution at nucleotide position 2043. The histidine at codon 681 is replaced by glutamine, an amino acid with highly similar properties. This amino acid position is highly conserved in available vertebrate species. In addition, this alteration is predicted to be deleterious by in silico analysis. Since supporting evidence is limited at this time, the clinical significance of this alteration remains unclear.

NM_006767.4(LZTR1):c.2043C>A (p.His681Gln)

Gene: LZTR1 (leucine zipper like post translational regulator 1; plus strand). Cytogenetic location: 22q11.21.
Variant type: single nucleotide variant.
Coding change: c.2043C>A on transcript NM_006767.4 (MANE Select); coding-DNA position 2043, C replaced by A.
Protein change: p.His681Gln; replaces histidine 681 with glutamine.
Molecular consequence: missense variant.
Genome position (GRCh38, 1-based): chr22:20,995,846, C>A. VCF-style: chr22-20995846-C-A. GRCh37 (hg19) VCF-style: chr22-21350135-C-A.
Other names: short protein forms H681Q.
Identifiers: ClinVar variation 1784933 (VCV001784933.2), dbSNP rs1414979503, ClinGen allele CA410779121.